The following is an entry in ClinVar:

ClinVar aggregate classification (germline): Uncertain significance. Review status: criteria provided, multiple submitters, no conflicts (2 of 4 stars). 3 submissions from 3 submitters: Uncertain significance (3). Last evaluated 2025-06-03.

Conditions:
Alstrom syndrome (ALMS). Identifiers: Orphanet 64, MedGen C0268425, MONDO:0008763, OMIM 203800.
Cardiovascular phenotype. Identifiers: MedGen CN230736.

gnomAD v4.1: 21 of 1,613,878 alleles (0.0013%); highest among the groups gnomAD compares: Non-Finnish European, 0.0017%; no homozygotes.

Submissions (3):

GeneDx
Classification: Uncertain significance. Last evaluated: 2025-06-03. Review status: criteria provided, single submitter. Criteria: GeneDx Variant Classification Process June 2021. Collection method: clinical testing. Allele origin: germline. Affected: yes.
Comment: Not observed at significant frequency in large population cohorts (gnomAD); In silico analysis supports that this missense variant has a deleterious effect on protein structure/function; Has not been previously published as pathogenic or benign to our knowledge

Labcorp Genetics (formerly Invitae), Labcorp
Classification: Uncertain significance for Alstrom syndrome. Last evaluated: 2022-04-10. Review status: criteria provided, single submitter. Criteria: Invitae Variant Classification Sherloc (09022015). Collection method: clinical testing. Allele origin: germline.
Comment: This sequence change replaces proline, which is neutral and non-polar, with leucine, which is neutral and non-polar, at codon 2564 of the ALMS1 protein (p.Pro2564Leu). This variant is present in population databases (rs760945886, gnomAD 0.01%). This variant has not been reported in the literature in individuals affected with ALMS1-related conditions. Experimental studies and prediction algorithms are not available or were not evaluated, and the functional significance of this variant is currently unknown. In summary, the available evidence is currently insufficient to determine the role of this variant in disease. Therefore, it has been classified as a Variant of Uncertain Significance.

Ambry Genetics
Classification: Uncertain significance for Cardiovascular phenotype. Last evaluated: 2021-01-21. Review status: criteria provided, single submitter. Criteria: Ambry Variant Classification Scheme 2023. Collection method: clinical testing. Allele origin: germline.
Comment: The p.P2564L variant (also known as c.7691C>T), located in coding exon 10 of the ALMS1 gene, results from a C to T substitution at nucleotide position 7691. The proline at codon 2564 is replaced by leucine, an amino acid with similar properties. This amino acid position is highly conserved in available vertebrate species. In addition, this alteration is predicted to be tolerated by in silico analysis. Since supporting evidence is limited at this time, the clinical significance of this alteration remains unclear.

NM_001378454.1(ALMS1):c.7688C>T (p.Pro2563Leu)

Gene: ALMS1 (ALMS1 centrosome and basal body associated protein; plus strand). Cytogenetic location: 2p13.1.
Variant type: single nucleotide variant.
Coding change: c.7688C>T on transcript NM_001378454.1 (MANE Select); coding-DNA position 7688, C replaced by T.
Protein change: p.Pro2563Leu; replaces proline 2563 with leucine.
Molecular consequence: missense variant.
Genome position (GRCh38, 1-based): chr2:73,489,647, C>T. VCF-style: chr2-73489647-C-T. GRCh37 (hg19) VCF-style: chr2-73716774-C-T.
Other names: c.7691C>T, p.Pro2564Leu (NM_015120.4); short protein forms P2563L, P2564L.
Identifiers: ClinVar variation 1760157 (VCV001760157.5), dbSNP rs760945886, ClinGen allele CA1714319.